The following is an entry in ClinVar:

NM_001927.4(DES):c.846G>T (p.Glu282Asp)

Gene: DES (desmin; plus strand). Cytogenetic location: 2q35.
Variant type: single nucleotide variant.
Coding change: c.846G>T on transcript NM_001927.4 (MANE Select); coding-DNA position 846, G replaced by T.
Protein change: p.Glu282Asp; replaces glutamic acid 282 with aspartic acid.
Molecular consequence: missense variant. On other transcripts: intron variant (1).
Genome position (GRCh38, 1-based): chr2:219,420,605, G>T. VCF-style: chr2-219420605-G-T. GRCh37 (hg19) VCF-style: chr2-220285327-G-T.
Other names: c.843G>T, p.Glu281Asp (NM_001382708.1); c.846G>T, p.Glu282Asp (NM_001382710.1, NM_001382711.1, NM_001382712.1); c.576G>T, p.Glu192Asp (NM_001382713.1); c.735+259G>T (NM_001382709.1); short protein forms E192D, E282D, E281D.
Identifiers: ClinVar variation 4783729 (VCV004783729.1).

ClinVar aggregate classification (germline): Uncertain significance (1 of 4 stars; one submission).

Conditions:
Desmin-related myofibrillar myopathy (MFM1). Also called: Desminopathy; Desmin related myopathy (former name); Desmin storage myopathy (former name); MYOFIBRILLAR MYOPATHY WITH ARRHYTHMOGENIC RIGHT VENTRICULAR CARDIOMYOPATHY; DESMIN-RELATED MYOPATHY WITH ARRHYTHMOGENIC RIGHT VENTRICULAR CARDIOMYOPATHY; Myofibrillar myopathy 1. Identifiers: Orphanet 363543, Orphanet 98909, MedGen C1832370, MONDO:0011076, OMIM 601419.

Submission:

Labcorp Genetics (formerly Invitae), Labcorp
Classification: Uncertain significance for Desmin-related myofibrillar myopathy. Last evaluated: 2025-10-26. Review status: criteria provided, single submitter. Criteria: Invitae Variant Classification Sherloc (09022015). Collection method: clinical testing. Allele origin: germline.
Comment: This sequence change replaces glutamic acid, which is acidic and polar, with aspartic acid, which is acidic and polar, at codon 282 of the DES protein (p.Glu282Asp). This variant is not present in population databases (gnomAD no frequency). This variant has not been reported in the literature in individuals affected with DES-related conditions. Invitae Evidence Modeling of protein sequence and biophysical properties (such as structural, functional, and spatial information, amino acid conservation, physicochemical variation, residue mobility, and thermodynamic stability) has been performed for this missense variant. However, the output from this modeling did not meet the statistical confidence thresholds required to predict the impact of this variant on DES protein function. In summary, the available evidence is currently insufficient to determine the role of this variant in disease. Therefore, it has been classified as a Variant of Uncertain Significance.